The following is an entry in ClinVar:

NM_022765.4(MICAL1):c.1361A>G (p.Asn454Ser)

Gene: MICAL1 (microtubule associated monooxygenase, calponin and LIM domain containing 1; minus strand). Cytogenetic location: 6q21.
Variant type: single nucleotide variant.
Coding change: c.1361A>G on transcript NM_022765.4 (MANE Select); coding-DNA position 1361, A replaced by G.
Protein change: p.Asn454Ser; replaces asparagine 454 with serine.
Molecular consequence: missense variant.
Genome position (GRCh38, 1-based): chr6:109,449,730, T>C on the plus strand (A>G on the coding strand, the complement: MICAL1 is on the minus strand). VCF-style: chr6-109449730-T-C. GRCh37 (hg19) VCF-style: chr6-109770933-T-C.
Other names: c.1103A>G, p.Asn368Ser (NM_001159291.2); c.1418A>G, p.Asn473Ser (NM_001286613.2); short protein forms N368S, N454S, N473S.
Identifiers: ClinVar variation 3002529 (VCV003002529.3), dbSNP rs899001521, ClinGen allele CA145120134.

ClinVar aggregate classification (germline): Uncertain significance (1 of 4 stars; one submission).

Allele frequency attached by ClinVar (database versions not stated): gnomAD exomes below 0.00001; gnomAD 0.00002.
gnomAD v4.1: 5 of 1,604,178 alleles (0.00031%); highest among the groups gnomAD compares: African/African-American, 0.004%; no homozygotes.

Submission:

Labcorp Genetics (formerly Invitae), Labcorp
Classification: Uncertain significance. Last evaluated: 2025-07-14. Review status: criteria provided, single submitter. Criteria: Invitae Variant Classification Sherloc (09022015). Collection method: clinical testing. Allele origin: germline.
Comment: This sequence change replaces asparagine, which is neutral and polar, with serine, which is neutral and polar, at codon 473 of the MICAL1 protein (p.Asn473Ser). This variant is not present in population databases (gnomAD no frequency). This variant has not been reported in the literature in individuals affected with MICAL1-related conditions. ClinVar contains an entry for this variant (Variation ID: 3002529). An algorithm developed to predict the effect of missense changes on protein structure and function (PolyPhen-2) suggests that this variant is likely to be tolerated. In summary, the available evidence is currently insufficient to determine the role of this variant in disease. Therefore, it has been classified as a Variant of Uncertain Significance.